The following is an entry in ClinVar:

NM_001330260.2(SCN8A):c.4501C>T (p.Gln1501Ter)

Gene: SCN8A (sodium voltage-gated channel alpha subunit 8; plus strand). Cytogenetic location: 12q13.13.
Variant type: single nucleotide variant.
Coding change: c.4501C>T on transcript NM_001330260.2 (MANE Select); coding-DNA position 4501, C replaced by T.
Protein change: p.Gln1501Ter; replaces glutamine 1501 with a stop codon.
Molecular consequence: nonsense.
Genome position (GRCh38, 1-based): chr12:51,790,479, C>T. VCF-style: chr12-51790479-C-T. GRCh37 (hg19) VCF-style: chr12-52184263-C-T.
Other names: c.4378C>T, p.Gln1460Ter (NM_001177984.3, NM_001369788.1); c.4501C>T, p.Gln1501Ter (NM_014191.4); short protein forms Q1460*, Q1501*.
Identifiers: ClinVar variation 691257 (VCV000691257.8), dbSNP rs1057520149, ClinGen allele CA384909186.

ClinVar aggregate classification (germline): Pathogenic/Likely pathogenic. Review status: criteria provided, multiple submitters, no conflicts (2 of 4 stars). 2 submissions from 2 submitters: Pathogenic (1); Likely pathogenic (1). Last evaluated 2025-09-01.

Conditions:
Intellectual disability. Also called: Intellectual functioning disability; intellectual disabilities; Intellectual developmental disorder. Identifiers: MedGen C3714756, MeSH D008607, MONDO:0001071, HP:0001249.
Seizure. Also called: Seizures. Identifiers: MedGen C0036572, HP:0001250.

Submissions (2):

CeGaT Center for Human Genetics Tuebingen
Classification: Pathogenic. Last evaluated: 2025-09-01. Review status: criteria provided, single submitter. Criteria: CeGaT Center For Human Genetics Tuebingen Variant Classification Criteria Version 2. Collection method: clinical testing. Allele origin: germline. Affected: yes. Observed: 1 variant allele.
Comment: SCN8A: PVS1, PM2

Department of Genetics, Rouen University Hospital, Normandy Center for Genomic and Personalized Medicine
Classification: Likely pathogenic for Intellectual disability; Seizure. Last evaluated: 2017-07-25. Review status: criteria provided, single submitter. Criteria: ACMG Guidelines, 2015. Collection method: clinical testing. Allele origin: inherited. Affected: yes.